The following is an entry in ClinVar:

ClinVar aggregate classification (germline): Likely pathogenic (1 of 4 stars; one submission).

Submission:

GeneDx
Classification: Likely pathogenic. Last evaluated: 2016-05-03. Review status: criteria provided, single submitter. Criteria: GeneDx Variant Classification (06012015). Collection method: clinical testing. Allele origin: germline. Affected: yes.
Comment: The W1326X variant in the HERC1 gene has not been reported previously as a pathogenic variant nor as a benign variant, to our knowledge. This variant is predicted to cause loss of normal protein function either through protein truncation or nonsense-mediated mRNA decay. The W1326X variant was not observed in approximately 5,900 individuals of European and African American ancestry in the NHLBI Exome Sequencing Project, indicating it is not a common benign variant in these populations. The W1326X variant is a strong candidate for a pathogenic variant, however the possibility it may be a rare benign variant cannot be excluded.

NM_003922.4(HERC1):c.3977G>A (p.Trp1326Ter)

Gene: HERC1 (HECT and RLD domain containing E3 ubiquitin protein ligase family member 1; minus strand). Cytogenetic location: 15q22.31.
Variant type: single nucleotide variant.
Coding change: c.3977G>A on transcript NM_003922.4 (MANE Select); coding-DNA position 3977, G replaced by A.
Protein change: p.Trp1326Ter; replaces tryptophan 1326 with a stop codon.
Molecular consequence: nonsense.
Genome position (GRCh38, 1-based): chr15:63,718,575, C>T on the plus strand (G>A on the coding strand, the complement: HERC1 is on the minus strand). VCF-style: chr15-63718575-C-T. GRCh37 (hg19) VCF-style: chr15-64010774-C-T.
Other names: short protein forms W1326*.
Identifiers: ClinVar variation 420912 (VCV000420912.2), dbSNP rs1064794786, ClinGen allele CA16619985.